The following is an entry in ClinVar:

NM_024426.6(WT1):c.671C>A (p.Thr224Lys)

Gene: WT1 (WT1 transcription factor; minus strand). Cytogenetic location: 11p13.
Variant type: single nucleotide variant.
Coding change: c.671C>A on transcript NM_024426.6 (MANE Select); coding-DNA position 671, C replaced by A.
Protein change: p.Thr224Lys; replaces threonine 224 with lysine.
Molecular consequence: missense variant. On other transcripts: 5 prime UTR variant (1), non-coding transcript variant (2), intron variant (2).
Genome position (GRCh38, 1-based): chr11:32,428,610, G>T on the plus strand (C>A on the coding strand, the complement: WT1 is on the minus strand). VCF-style: chr11-32428610-G-T. GRCh37 (hg19) VCF-style: chr11-32450156-G-T.
Other names: c.671C>A, p.Thr224Lys (NM_000378.6, NM_001407044.1, NM_001407045.1 and 4 more transcripts); c.20C>A, p.Thr7Lys (NM_001198551.2, NM_001198552.2); c.-92C>A (NM_001407051.1); c.452C>A, p.Thr151Lys (NM_001429031.1, NM_001429032.1, NM_001429033.1 and 1 more transcripts); c.656C>A, p.Thr219Lys (NM_024425.2); c.662-552C>A (NM_001407050.1, NM_001407047.1); short protein forms T151K, T219K, T224K, T7K.
Identifiers: ClinVar variation 3071858 (VCV003071858.1), dbSNP rs779451877, ClinGen allele CA379963594.
Genomic context (GRCh38, chr11:32,428,610, plus strand): 5'-AACTGCGCCGCATGGTGCGAGGGCGTGTGACCGTAGCTGGGCGTCCCGTCGAAGGTGACC[G>T]TGCTGTAACCTGCGGGAGCGGCGGAGAGAAGCACAGTGTCAGCGGTGCTCTCGCAAGACG-3'
Protein context (NP_077744.4, residues 214-234): QPAIRNQGYS[Thr224Lys]VTFDGTPSYG

ClinVar aggregate classification (germline): Uncertain significance (1 of 4 stars; one submission).

Conditions:
Wilms tumor 1 (WT1). Also called: Wilms tumor, somatic. Identifiers: Orphanet 654, MedGen CN033288, MONDO:0008679, OMIM 194070.

gnomAD v4.1: 1 of 1,613,464 alleles (0.000062%); highest among the groups gnomAD compares: Non-Finnish European, 0.000085%; no homozygotes.

Submission:

All of Us Research Program, National Institutes of Health
Classification: Uncertain significance for Wilms tumor 1. Last evaluated: 2023-06-26. Review status: criteria provided, single submitter. Criteria: ACMG Guidelines, 2015. Collection method: clinical testing. Allele origin: germline. Inheritance: Autosomal dominant inheritance. Observed: 1 variant allele, 1 heterozygote.
Comment: This variant replaces threonine with lysine at codon 219 of the WT1 protein. Computational prediction is inconclusive regarding the impact of this variant on protein structure and function (internally defined REVEL score threshold 0.5 < inconclusive < 0.7, PMID: 27666373). To our knowledge, functional studies have not been reported for this variant. This variant has not been reported in individuals affected with WT1-related disorders in the literature. This variant has not been identified in the general population by the Genome Aggregation Database (gnomAD). The available evidence is insufficient to determine the role of this variant in disease conclusively. Therefore, this variant is classified as a Variant of Uncertain Significance.

This study involves interpretation of variants in research participants for the purpose of population health screening. Participant phenotype was not available at the time of variant classification. Additional details can be found in publication PMID: 35346344, PMCID: PMC8962531